The following is an entry in ClinVar:

ClinVar aggregate classification (germline): Likely benign. Review status: criteria provided, single submitter (1 of 4 stars). 2 submissions from 2 submitters: Likely benign (1). 1 of the submissions does not count toward it. Last evaluated 2024-02-01.

Conditions:
PARD3-related disorder. Also called: PARD3-related condition.

Allele frequency attached by ClinVar (database versions not stated): 1000 Genomes Project 0.00140; 1000 Genomes Project 30x 0.00141; TOPMed 0.00181; ESP Exome Variant Server 0.00254; gnomAD exomes 0.00288; gnomAD 0.00336; ExAC 0.00346.
gnomAD v4.1: 4,670 of 1,608,082 alleles (0.29%); highest among the groups gnomAD compares: Non-Finnish European, 0.29%; 27 homozygotes.

Submissions (2):

CeGaT Center for Human Genetics Tuebingen
Classification: Likely benign. Last evaluated: 2024-02-01. Review status: criteria provided, single submitter. Criteria: CeGaT Center For Human Genetics Tuebingen Variant Classification Criteria Version 2. Collection method: clinical testing. Allele origin: germline. Affected: yes. Observed: 2 variant alleles.
Comment: PARD3: BS2

PreventionGenetics, part of Exact Sciences
Classification: Likely benign for PARD3-related condition. Last evaluated: 2019-02-19. Review status: no assertion criteria provided. Collection method: clinical testing. Allele origin: germline. Not counted in ClinVar's aggregate classification.
Comment: This variant is classified as likely benign based on ACMG/AMP sequence variant interpretation guidelines (Richards et al. 2015 PMID: 25741868, with internal and published modifications).

NM_001184785.2(PARD3):c.875G>C (p.Ser292Thr)

Gene: PARD3 (par-3 family cell polarity regulator; minus strand). Cytogenetic location: 10p11.21.
Variant type: single nucleotide variant.
Coding change: c.875G>C on transcript NM_001184785.2 (MANE Select); coding-DNA position 875, G replaced by C.
Protein change: p.Ser292Thr; replaces serine 292 with threonine.
Molecular consequence: missense variant.
Genome position (GRCh38, 1-based): chr10:34,399,345, C>G on the plus strand (G>C on the coding strand, the complement: PARD3 is on the minus strand). VCF-style: chr10-34399345-C-G. GRCh37 (hg19) VCF-style: chr10-34688273-C-G.
Other names: c.875G>C (NM_019619.3); c.875G>C, p.Ser292Thr (NM_001184786.2, NM_001184787.2, NM_001184788.2 and 5 more transcripts); c.743G>C, p.Ser248Thr (NM_001184790.2, NM_001184791.2); short protein forms S248T, S292T.
Identifiers: ClinVar variation 2640401 (VCV002640401.25), dbSNP rs62625032, ClinGen allele CA5468067.